The following is an entry in ClinVar:

ClinVar aggregate classification (germline): Likely benign. Review status: criteria provided, single submitter (1 of 4 stars). 2 submissions from 2 submitters: Likely benign (1). 1 of the submissions does not count toward it. Last evaluated 2024-09-18.

Conditions:
NBEAL2-related disorder. Also called: NBEAL2-related condition.

Allele frequency attached by ClinVar (database versions not stated): gnomAD 0.00002; gnomAD exomes 0.00003; TOPMed 0.00003; ExAC 0.00012; 1000 Genomes Project 0.00020; 1000 Genomes Project 30x 0.00031.
gnomAD v4.1: 49 of 1,608,218 alleles (0.003%); highest among the groups gnomAD compares: Admixed American, 0.044%; no homozygotes.

Submissions (2):

Blueprint Genetics
Classification: Likely benign. Last evaluated: 2024-09-18. Review status: criteria provided, single submitter. Criteria: ACMG Guidelines, 2015. Collection method: clinical testing. Allele origin: germline.

PreventionGenetics, part of Exact Sciences
Classification: Likely benign for NBEAL2-related condition. Last evaluated: 2023-08-30. Review status: no assertion criteria provided. Collection method: clinical testing. Allele origin: germline. Not counted in ClinVar's aggregate classification.
Comment: This variant is classified as likely benign based on ACMG/AMP sequence variant interpretation guidelines (Richards et al. 2015 PMID: 25741868, with internal and published modifications).

NM_015175.3(NBEAL2):c.387G>A (p.Thr129=)

Gene: NBEAL2 (neurobeachin like 2; plus strand). Cytogenetic location: 3p21.31.
Variant type: single nucleotide variant.
Coding change: c.387G>A on transcript NM_015175.3 (MANE Select); coding-DNA position 387, G replaced by A.
Protein change: p.Thr129=; no amino-acid change (threonine 129 retained).
Molecular consequence: synonymous variant.
Genome position (GRCh38, 1-based): chr3:46,989,295, G>A. VCF-style: chr3-46989295-G-A. GRCh37 (hg19) VCF-style: chr3-47030785-G-A.
Other names: c.366G>A, p.Thr122= (NM_001365116.2).
Identifiers: ClinVar variation 3036919 (VCV003036919.3), dbSNP rs531384669, ClinGen allele CA2360094.